The following is an entry in ClinVar:

NC_000017.10:g.(?_78155238)_(78166438_?)dup

Gene: CARD14 (caspase recruitment domain family member 14; plus strand). Cytogenetic location: 17q25.3.
Variant type: Duplication.
Identifiers: ClinVar variation 2426803 (VCV002426803.5).

ClinVar aggregate classification (germline): Uncertain significance (1 of 4 stars; one submission).

Conditions:
Pityriasis rubra pilaris (PRP). Also called: Pityriasis rubra pilaris--familial type. Identifiers: Orphanet 2897, MedGen C0032027, MONDO:0100017, OMIM 173200, MONDO:0008251.
Psoriasis 2. Identifiers: MedGen C1864497, MONDO:0011269, OMIM 602723.

Submission:

Labcorp Genetics (formerly Invitae), Labcorp
Classification: Uncertain significance for Pityriasis rubra pilaris; Psoriasis 2. Last evaluated: 2022-12-06. Review status: criteria provided, single submitter. Criteria: Invitae Variant Classification Sherloc (09022015). Collection method: clinical testing. Allele origin: germline.
Comment: In summary, the available evidence is currently insufficient to determine the role of this variant in disease. Therefore, it has been classified as a Variant of Uncertain Significance. Experimental studies and prediction algorithms are not available or were not evaluated, and the functional significance of this variant is currently unknown. This variant has not been reported in the literature in individuals affected with CARD14-related conditions. This variant results in a copy number gain of the genomic region encompassing exon(s) 2-9 of the CARD14 gene. This region includes the initiator codon of the gene. This copy number gain extends beyond the assayed region for this gene and therefore may encompass additional genes. As the precise location of this event is unknown, it may be in tandem or it may be located elsewhere in the genome.